The following is an entry in ClinVar:

ClinVar aggregate classification (germline): Uncertain significance (1 of 4 stars; one submission).

Conditions:
Autosomal dominant nocturnal frontal lobe epilepsy 5. Also called: CILIARY DYSKINESIA, PRIMARY, 28, WITH SITUS INVERSUS; CILIARY DYSKINESIA, PRIMARY, 28, WITHOUT SITUS INVERSUS; KCNT1-Related Epilepsy; Epilepsy, nocturnal frontal lobe, 5. Identifiers: Orphanet 98784, MedGen C3554306, MONDO:0014002, OMIM 615005.
Developmental and epileptic encephalopathy, 14 (DEE14). Also called: Early infantile epileptic encephalopathy 14. Identifiers: Orphanet 293181, MedGen C3554195, MONDO:0013989, OMIM 614959.

Submission:

Labcorp Genetics (formerly Invitae), Labcorp
Classification: Uncertain significance for Autosomal dominant nocturnal frontal lobe epilepsy 5; Developmental and epileptic encephalopathy, 14. Last evaluated: 2025-12-08. Review status: criteria provided, single submitter. Criteria: Invitae Variant Classification Sherloc (09022015). Collection method: clinical testing. Allele origin: germline.
Comment: This sequence change replaces glycine, which is neutral and non-polar, with arginine, which is basic and polar, at codon 611 of the KCNT1 protein (p.Gly611Arg). This variant is not present in population databases (gnomAD no frequency). This missense change has been observed in individual(s) with KCNT1-related conditions (internal data). ClinVar contains an entry for this variant (Variation ID: 1992783). Invitae Evidence Modeling of protein sequence and biophysical properties (such as structural, functional, and spatial information, amino acid conservation, physicochemical variation, residue mobility, and thermodynamic stability) indicates that this missense variant is expected to disrupt KCNT1 protein function with a positive predictive value of 80%. In summary, the available evidence is currently insufficient to determine the role of this variant in disease. Therefore, it has been classified as a Variant of Uncertain Significance.

NM_020822.3(KCNT1):c.1831G>C (p.Gly611Arg)

Gene: KCNT1 (potassium sodium-activated channel subfamily T member 1; plus strand). Cytogenetic location: 9q34.3.
Variant type: single nucleotide variant.
Coding change: c.1831G>C on transcript NM_020822.3 (MANE Select); coding-DNA position 1831, G replaced by C.
Protein change: p.Gly611Arg; replaces glycine 611 with arginine.
Molecular consequence: missense variant.
Genome position (GRCh38, 1-based): chr9:135,770,918, G>C. VCF-style: chr9-135770918-G-C. GRCh37 (hg19) VCF-style: chr9-138662764-G-C.
Other names: c.1696G>C, p.Gly566Arg (NM_001272003.2); short protein forms G611R, G566R.
Identifiers: ClinVar variation 1992783 (VCV001992783.4), dbSNP rs2490970951, ClinGen allele CA375508162.
Genomic context (GRCh38, chr9:135,770,918, plus strand): 5'-TATGGCGTGTGCCTCATCGGGCTGAAGCGGGAGGACAACAAGAGCATCCTGCTGAACCCG[G>C]GGCCCCGGCACATCCTGGCCGCCTCTGACACCTGCTTCTACATCAACATCACCAAGGAGG-3'
Protein context (NP_065873.2, residues 601-621): EDNKSILLNP[Gly611Arg]PRHILAASDT